The following is an entry in ClinVar:

ClinVar aggregate classification (germline): Uncertain significance (1 of 4 stars; one submission).

Conditions:
Epileptic encephalopathy. Identifiers: MedGen C0543888, HP:0200134.

Submission:

Labcorp Genetics (formerly Invitae), Labcorp
Classification: Uncertain significance for Epileptic encephalopathy. Last evaluated: 2022-04-16. Review status: criteria provided, single submitter. Criteria: Invitae Variant Classification Sherloc (09022015). Collection method: clinical testing. Allele origin: germline.
Comment: In summary, the available evidence is currently insufficient to determine the role of this variant in disease. Therefore, it has been classified as a Variant of Uncertain Significance. Experimental studies and prediction algorithms are not available or were not evaluated, and the functional significance of this variant is currently unknown. This variant has not been reported in the literature in individuals affected with FASN-related conditions. Information on the frequency of this variant in the gnomAD database is not available, as this variant may be reported differently in the database. This sequence change replaces glycine, which is neutral and non-polar, with serine, which is neutral and polar, at codon 1248 of the FASN protein (p.Gly1248Ser).

NM_004104.5(FASN):c.3741_3742inv (p.Gly1248Ser)

Gene: FASN (fatty acid synthase; minus strand). Cytogenetic location: 17q25.3.
Variant type: Inversion.
Coding change: c.3741_3742inv on transcript NM_004104.5 (MANE Select).
Protein change: p.Gly1248Ser; replaces glycine 1248 with serine.
Molecular consequence: missense variant.
Genome position: GRCh38 VCF-style: chr17-82085862-CA-TG. GRCh37 (hg19) VCF-style: chr17-80043738-CA-TG.
Other names: short protein forms G1248S.
Identifiers: ClinVar variation 2122730 (VCV002122730.4), ClinGen allele CA2580095369.